The following is an entry in ClinVar:

ClinVar aggregate classification (germline): Benign/Likely benign. Review status: criteria provided, multiple submitters, no conflicts (2 of 4 stars). 7 submissions from 7 submitters: Benign (4); Likely benign (2). 1 of the submissions does not count toward it. Last evaluated 2026-02-01.

Conditions:
Usher syndrome type 1C. Also called: USHER SYNDROME, TYPE I, ACADIAN VARIETY. Identifiers: Orphanet 231169, Orphanet 886, MedGen C1848604, MONDO:0010171, OMIM 276904.

Allele frequency attached by ClinVar (database versions not stated): 1000 Genomes Project 30x 0.00703; gnomAD 0.00735 and 0.00789; 1000 Genomes Project 0.00739; TOPMed 0.00789; ESP Exome Variant Server 0.00862.
gnomAD v4.1: 2,214 of 1,614,136 alleles (0.14%); highest among the groups gnomAD compares: African/African-American, 2.5%; 25 homozygotes.

Submissions (7):

Labcorp Genetics (formerly Invitae), Labcorp
Classification: Benign. Last evaluated: 2026-02-01. Review status: criteria provided, single submitter. Criteria: Invitae Variant Classification Sherloc (09022015). Collection method: clinical testing. Allele origin: germline.

GeneDx
Classification: Benign. Last evaluated: 2018-09-11. Review status: criteria provided, single submitter. Criteria: GeneDx Variant Classification Process June 2021. Collection method: clinical testing. Allele origin: germline. Affected: yes.

ARUP Laboratories, Molecular Genetics and Genomics, ARUP Laboratories
Classification: Benign. Last evaluated: 2018-08-31. Review status: criteria provided, single submitter. Criteria: ARUP Molecular Germline Variant Investigation Process. Collection method: clinical testing. Allele origin: germline.

Illumina Laboratory Services, Illumina
Classification: Likely benign for Usher syndrome type 1C. Last evaluated: 2018-01-13. Review status: criteria provided, single submitter. Criteria: ICSL Variant Classification Criteria 13 December 2019. Collection method: clinical testing. Allele origin: germline.
Comment: This variant was observed in the ICSL laboratory as part of a predisposition screen in an ostensibly healthy population. It had not been previously curated by ICSL or reported in the Human Gene Mutation Database (HGMD: prior to June 1st, 2018), and was therefore a candidate for classification through an automated scoring system. Utilizing variant allele frequency, disease prevalence and penetrance estimates, and inheritance mode, an automated score was calculated to assess if this variant is too frequent to cause the disease. Based on the score and internal cut-off values, a variant classified as likely benign is not then subjected to further curation. The score for this variant resulted in a classification of likely benign for this disease.

Laboratory for Molecular Medicine, Mass General Brigham Personalized Medicine
Classification: Benign. Last evaluated: 2010-10-06. Review status: criteria provided, single submitter. Criteria: LMM Criteria. Collection method: clinical testing. Allele origin: germline. Observed: 8 variant alleles.
Comment: This variant is not expected to have clinical significance because it does not a lter an amino acid residue, is not located near a splice junction, and has a het erozygous allele frequency of 2/76 (2.6%) (rs34581703).

Breakthrough Genomics
Classification: Likely benign. Review status: criteria provided, single submitter. Criteria: ACMG Guidelines, 2015. Collection method: not provided. Allele origin: germline. Inheritance: Autosomal recessive inheritance. Affected: yes.

Natera, Inc.
Classification: Benign for Usher syndrome type 1C. Last evaluated: 2019-10-17. Review status: no assertion criteria provided. Collection method: clinical testing. Allele origin: germline. Not counted in ClinVar's aggregate classification.

NM_153676.4(USH1C):c.2499C>T (p.Ile833=)

Gene: USH1C (USH1 protein network component harmonin; minus strand). Cytogenetic location: 11p15.1.
Variant type: single nucleotide variant.
Coding change: c.2499C>T on transcript NM_153676.4 (MANE Select); coding-DNA position 2499, C replaced by T.
Protein change: p.Ile833=; no amino-acid change (isoleucine 833 retained).
Molecular consequence: synonymous variant. On other transcripts: non-coding transcript variant (1).
Genome position (GRCh38, 1-based): chr11:17,496,805, G>A on the plus strand (C>T on the coding strand, the complement: USH1C is on the minus strand). VCF-style: chr11-17496805-G-A. GRCh37 (hg19) VCF-style: chr11-17518352-G-A.
Other names: c.1542C>T, p.Ile514= (NM_001297764.2); c.1599C>T, p.Ile533= (NM_005709.4).
Identifiers: ClinVar variation 48007 (VCV000048007.33), dbSNP rs34581703, ClinGen allele CA142357.